The following is an entry in ClinVar:

ClinVar aggregate classification (germline): Uncertain significance (1 of 4 stars; one submission).

Conditions:
Familial cancer of breast. Also called: hereditary breast carcinoma; BREAST CANCER, FAMILIAL; Hereditary breast cancer. Identifiers: Orphanet 227535, MedGen C0346153, MONDO:0016419, OMIM 114480. Disease mechanism: loss of function.

Submission:

Labcorp Genetics (formerly Invitae), Labcorp
Classification: Uncertain significance for Familial cancer of breast. Last evaluated: 2018-06-26. Review status: criteria provided, single submitter. Criteria: Invitae Variant Classification Sherloc (09022015). Collection method: clinical testing. Allele origin: germline.
Comment: Algorithms developed to predict the effect of missense changes on protein structure and function are either unavailable or do not agree on the potential impact of this missense change (SIFT: "Deleterious"; PolyPhen-2: "Probably Damaging"; Align-GVGD: "Class C0"). In summary, the available evidence is currently insufficient to determine the role of this variant in disease. Therefore, it has been classified as a Variant of Uncertain Significance. This variant has not been reported in the literature in individuals with CHEK2-related disease. This sequence change replaces leucine with proline at codon 486 of the CHEK2 protein (p.Leu486Pro). The leucine residue is highly conserved and there is a moderate physicochemical difference between leucine and proline. This variant is not present in population databases (ExAC no frequency).

NM_007194.4(CHEK2):c.1457T>C (p.Leu486Pro)

Gene: CHEK2 (checkpoint kinase 2; minus strand). Cytogenetic location: 22q12.1.
Variant type: single nucleotide variant.
Coding change: c.1457T>C on transcript NM_007194.4 (MANE Select); coding-DNA position 1457, T replaced by C.
Protein change: p.Leu486Pro; replaces leucine 486 with proline.
Molecular consequence: missense variant.
Genome position (GRCh38, 1-based): chr22:28,694,036, A>G on the plus strand (T>C on the coding strand, the complement: CHEK2 is on the minus strand). VCF-style: chr22-28694036-A-G. GRCh37 (hg19) VCF-style: chr22-29090024-A-G.
Other names: c.1586T>C, p.Leu529Pro (NM_001005735.3); c.794T>C, p.Leu265Pro (NM_001257387.3); c.1256T>C, p.Leu419Pro (NM_001349956.3); c.1370T>C, p.Leu457Pro (NM_145862.3); short protein forms L486P, L265P, L419P, L457P, L529P.
Identifiers: ClinVar variation 570084 (VCV000570084.9), dbSNP rs1569109928, ClinGen allele CA411093912.